The following is an entry in ClinVar:

ClinVar aggregate classification (germline): Uncertain significance. Review status: criteria provided, multiple submitters, no conflicts (2 of 4 stars). 3 submissions from 3 submitters: Uncertain significance (3). Last evaluated 2025-02-18.

Conditions:
Hypertrophic cardiomyopathy 1 (CMH1). Also called: Familial hypertrophic cardiomyopathy 1; MYH7-Related Familial Hypertrophic Cardiomyopathy. Identifiers: MedGen C3495498, MONDO:0008647, OMIM 192600.

Allele frequency attached by ClinVar (database versions not stated): gnomAD 0.00001; TOPMed 0.00002.

Submissions (3):

GeneDx
Classification: Uncertain significance. Last evaluated: 2025-02-18. Review status: criteria provided, single submitter. Criteria: GeneDx Variant Classification Process June 2021. Collection method: clinical testing. Allele origin: germline. Affected: yes.
Comment: Not observed at significant frequency in large population cohorts (gnomAD); In silico analysis indicates that this missense variant does not alter protein structure/function; Has not been previously published as pathogenic or benign to our knowledge

Labcorp Genetics (formerly Invitae), Labcorp
Classification: Uncertain significance for Hypertrophic cardiomyopathy 1. Last evaluated: 2025-01-07. Review status: criteria provided, single submitter. Criteria: Invitae Variant Classification Sherloc (09022015). Collection method: clinical testing. Allele origin: germline.
Comment: This sequence change replaces alanine, which is neutral and non-polar, with valine, which is neutral and non-polar, at codon 544 of the MYLK2 protein (p.Ala544Val). This variant is not present in population databases (gnomAD no frequency). This variant has not been reported in the literature in individuals affected with MYLK2-related conditions. ClinVar contains an entry for this variant (Variation ID: 978530). Invitae Evidence Modeling of protein sequence and biophysical properties (such as structural, functional, and spatial information, amino acid conservation, physicochemical variation, residue mobility, and thermodynamic stability) indicates that this missense variant is not expected to disrupt MYLK2 protein function with a negative predictive value of 80%. In summary, the available evidence is currently insufficient to determine the role of this variant in disease. Therefore, it has been classified as a Variant of Uncertain Significance.

Ambry Genetics
Classification: Uncertain significance. Last evaluated: 2021-06-30. Review status: criteria provided, single submitter. Criteria: Ambry Variant Classification Scheme 2023. Collection method: clinical testing. Allele origin: germline.
Comment: The p.A544V variant (also known as c.1631C>T), located in coding exon 11 of the MYLK2 gene, results from a C to T substitution at nucleotide position 1631. The alanine at codon 544 is replaced by valine, an amino acid with similar properties. This amino acid position is conserved. In addition, this alteration is predicted to be tolerated by in silico analysis. Since supporting evidence is limited at this time, the clinical significance of this alteration remains unclear.

NM_033118.4(MYLK2):c.1631C>T (p.Ala544Val)

Gene: MYLK2 (myosin light chain kinase 2; plus strand). Cytogenetic location: 20q11.21.
Variant type: single nucleotide variant.
Coding change: c.1631C>T on transcript NM_033118.4 (MANE Select); coding-DNA position 1631, C replaced by T.
Protein change: p.Ala544Val; replaces alanine 544 with valine.
Molecular consequence: missense variant.
Genome position (GRCh38, 1-based): chr20:31,832,057, C>T. VCF-style: chr20-31832057-C-T. GRCh37 (hg19) VCF-style: chr20-30419860-C-T.
Other names: short protein forms A544V.
Identifiers: ClinVar variation 978530 (VCV000978530.12), dbSNP rs868117451, ClinGen allele CA313851863.
Genomic context (GRCh38, chr20:31,832,057, plus strand): 5'-CCCCCAGGGCCCGGATGAACGCTGCCCAGTGTCTCGCCCATCCCTGGCTCAACAACCTGG[C>T]GGAGAAAGCCAAACGCTGTAACCGACGCCTTAAGTCCCAGATCTTGCTTAAGAAATACCT-3'
Protein context (NP_149109.1, residues 534-554): CLAHPWLNNL[Ala544Val]EKAKRCNRRL